The following is an entry in ClinVar:

NM_001614.5(ACTG1):c.580A>C (p.Thr194Pro)

Gene: ACTG1 (actin gamma 1; minus strand). Cytogenetic location: 17q25.3.
Variant type: single nucleotide variant.
Coding change: c.580A>C on transcript NM_001614.5 (MANE Select); coding-DNA position 580, A replaced by C.
Protein change: p.Thr194Pro; replaces threonine 194 with proline.
Molecular consequence: missense variant. On other transcripts: non-coding transcript variant (1).
Genome position (GRCh38, 1-based): chr17:81,511,410, T>G on the plus strand (A>C on the coding strand, the complement: ACTG1 is on the minus strand). VCF-style: chr17-81511410-T-G. GRCh37 (hg19) VCF-style: chr17-79478436-T-G.
Other names: c.580A>C, p.Thr194Pro (NM_001199954.3); short protein forms T194P.
Identifiers: ClinVar variation 4783165 (VCV004783165.1).

ClinVar aggregate classification (germline): Uncertain significance (1 of 4 stars; one submission).

Conditions:
Autosomal dominant nonsyndromic hearing loss 20. Identifiers: Orphanet 90635, MedGen C1858172, MONDO:0011480, OMIM 604717.
Baraitser-winter syndrome 2. Identifiers: Orphanet 2995, MedGen C3281235, MONDO:0013812, OMIM 614583.

Submission:

Labcorp Genetics (formerly Invitae), Labcorp
Classification: Uncertain significance for Baraitser-winter syndrome 2; Autosomal dominant nonsyndromic hearing loss 20. Last evaluated: 2025-12-11. Review status: criteria provided, single submitter. Criteria: Invitae Variant Classification Sherloc (09022015). Collection method: clinical testing. Allele origin: germline.
Comment: This sequence change replaces threonine, which is neutral and polar, with proline, which is neutral and non-polar, at codon 194 of the ACTG1 protein (p.Thr194Pro). This variant is not present in population databases (gnomAD no frequency). This variant has not been reported in the literature in individuals affected with ACTG1-related conditions. Invitae Evidence Modeling of protein sequence and biophysical properties (such as structural, functional, and spatial information, amino acid conservation, physicochemical variation, residue mobility, and thermodynamic stability) indicates that this missense variant is not expected to disrupt ACTG1 protein function with a negative predictive value of 80%. In summary, the available evidence is currently insufficient to determine the role of this variant in disease. Therefore, it has been classified as a Variant of Uncertain Significance.